The following is an entry in ClinVar:

NM_001142864.4(PIEZO1):c.4992G>A (p.Leu1664=)

Gene: PIEZO1 (piezo type mechanosensitive ion channel component 1 (Er blood group); minus strand). Cytogenetic location: 16q24.3.
Variant type: single nucleotide variant.
Coding change: c.4992G>A on transcript NM_001142864.4 (MANE Select); coding-DNA position 4992, G replaced by A.
Protein change: p.Leu1664=; no amino-acid change (leucine 1664 retained).
Molecular consequence: synonymous variant.
Genome position (GRCh38, 1-based): chr16:88,722,030, C>T on the plus strand (G>A on the coding strand, the complement: PIEZO1 is on the minus strand). VCF-style: chr16-88722030-C-T. GRCh37 (hg19) VCF-style: chr16-88788438-C-T.
Identifiers: ClinVar variation 712740 (VCV000712740.10), dbSNP rs186462241, ClinGen allele CA8231976.

ClinVar aggregate classification (germline): Likely benign. Review status: criteria provided, multiple submitters, no conflicts (2 of 4 stars). 3 submissions from 3 submitters: Likely benign (2). 1 of the submissions does not count toward it. Last evaluated 2023-10-13.

Conditions:
PIEZO1-related disorder. Also called: PIEZO1-related condition; PIEZO1-Related Disorders.
Dehydrated hereditary stomatocytosis with or without pseudohyperkalemia and/or perinatal edema (DHS1). Also called: Dehydrated hereditary stomatocytosis 1 with or without pseudohyperkalemia and/or perinatal edema; PSEUDOHYPERKALEMIA EDINBURGH; DEHYDRATED HEREDITARY STOMATOCYTOSIS AND PSEUDOHYPERKALEMIA; DEHYDRATED HEREDITARY STOMATOCYTOSIS WITH PSEUDOHYPERKALEMIA AND PERINATAL EDEMA; Pseudohyperkalemia, familial, 1, due to red cell leak. Identifiers: Orphanet 3202, MedGen C4551512, MONDO:0008689, OMIM 194380.
Lymphatic malformation 6 (LMPHM6). Also called: PIEZO1-related generalized lymphatic dysplasia with non-immune hydrops fetalis; GENERALIZED LYMPHATIC DYSPLASIA OF FOTIOU; Lymphedema, hereditary, III. Identifiers: Orphanet 568062, MedGen C4225184, MONDO:0014797, OMIM 616843.

Allele frequency attached by ClinVar (database versions not stated): gnomAD exomes 0.00023 and 0.00003; gnomAD 0.00003 and 0.00001; ExAC 0.00006; TOPMed 0.00011; 1000 Genomes Project 30x 0.00031.
gnomAD v4.1: 46 of 1,548,210 alleles (0.003%); highest among the groups gnomAD compares: Admixed American, 0.086%; no homozygotes.

Submissions (3):

Labcorp Genetics (formerly Invitae), Labcorp
Classification: Likely benign. Last evaluated: 2023-10-13. Review status: criteria provided, single submitter. Criteria: Invitae Variant Classification Sherloc (09022015). Collection method: clinical testing. Allele origin: germline.

Fulgent Genetics
Classification: Likely benign for Dehydrated hereditary stomatocytosis with or without pseudohyperkalemia and/or perinatal edema; Lymphatic malformation 6. Last evaluated: 2021-11-02. Review status: criteria provided, single submitter. Criteria: ACMG Guidelines, 2015. Collection method: clinical testing. Allele origin: unknown.

PreventionGenetics, part of Exact Sciences
Classification: Likely benign for PIEZO1-related condition. Last evaluated: 2020-01-13. Review status: no assertion criteria provided. Collection method: clinical testing. Allele origin: germline. Not counted in ClinVar's aggregate classification.
Comment: This variant is classified as likely benign based on ACMG/AMP sequence variant interpretation guidelines (Richards et al. 2015 PMID: 25741868, with internal and published modifications).